The following is an entry in ClinVar:

NM_001173990.3(TMEM216):c.230-10T>C

Gene: TMEM216 (transmembrane protein 216; plus strand). Cytogenetic location: 11q12.2.
Variant type: single nucleotide variant.
Coding change: c.230-10T>C on transcript NM_001173990.3 (MANE Select); 10 bases into the intron before coding-DNA position 230, T replaced by C.
Molecular consequence: intron variant.
Genome position (GRCh38, 1-based): chr11:61,397,764, T>C. VCF-style: chr11-61397764-T-C. GRCh37 (hg19) VCF-style: chr11-61165236-T-C.
Other names: c.47-10T>C (NM_016499.6, NM_001330285.2); c.230-10T>C (NM_001173991.3).
Identifiers: ClinVar variation 1039650 (VCV001039650.7), dbSNP rs1858829914, ClinGen allele CA938606089.
Genomic context (GRCh38, chr11:61,397,764, plus strand): 5'-TCCCACGCCTTTCCCCTGGGCCAGGAAAAGCAGACCATTTGGAGATGACTCCATGGGCTG[T>C]GTCTGACAGGTACAAAGGGAAACCTCTGCCAGCGAAAGATGCCGCTCAGTATTAGCGTGG-3'

ClinVar aggregate classification (germline): Uncertain significance. Review status: criteria provided, single submitter (1 of 4 stars). 2 submissions from 2 submitters: Uncertain significance (1). 1 of the submissions does not count toward it. Last evaluated 2021-08-26.

Conditions:
Joubert syndrome 2 (JBTS2). Also called: CEREBELLOOCULORENAL SYNDROME 2. Identifiers: Orphanet 2318, MedGen C1842577, MONDO:0011963, OMIM 608091.
Joubert syndrome. Also called: Familial aplasia of the vermis; CEREBELLOPARENCHYMAL DISORDER IV; JOUBERT-BOLTSHAUSER SYNDROME. Identifiers: Orphanet 475, MedGen C5979921, MONDO:0018772.

Allele frequency attached by ClinVar (database versions not stated): gnomAD exomes below 0.00001; gnomAD 0.00001.
gnomAD v4.1: 5 of 1,611,488 alleles (0.00031%); highest among the groups gnomAD compares: Non-Finnish European, 0.00042%; no homozygotes.

Submissions (2):

Labcorp Genetics (formerly Invitae), Labcorp
Classification: Uncertain significance for Joubert syndrome. Last evaluated: 2021-08-26. Review status: criteria provided, single submitter. Criteria: Invitae Variant Classification Sherloc (09022015). Collection method: clinical testing. Allele origin: germline.
Comment: This sequence change falls in intron 3 of the TMEM216 gene. It does not directly change the encoded amino acid sequence of the TMEM216 protein. This variant is not present in population databases (ExAC no frequency). This variant has not been reported in the literature in individuals affected with TMEM216-related conditions. Algorithms developed to predict the effect of sequence changes on RNA splicing suggest that this variant may disrupt the consensus splice site. In summary, the available evidence is currently insufficient to determine the role of this variant in disease. Therefore, it has been classified as a Variant of Uncertain Significance.

Natera, Inc.
Classification: Uncertain significance for Joubert syndrome type 2. Last evaluated: 2020-11-04. Review status: no assertion criteria provided. Collection method: clinical testing. Allele origin: germline. Not counted in ClinVar's aggregate classification.